The following is an entry in ClinVar:

ClinVar aggregate classification (germline): Conflicting classifications of pathogenicity. Review status: criteria provided, conflicting classifications (1 of 4 stars). 7 submissions from 7 submitters: Uncertain significance (3); Likely benign (2). 2 of the submissions do not count toward it. Last evaluated 2025-12-22.

Conditions:
PLCE1-related disorder. Also called: PLCE1-related condition.
Nephrotic syndrome, type 3 (NPHS3). Also called: NEPHROTIC SYNDROME, EARLY-ONSET, TYPE 3. Identifiers: Orphanet 656, MedGen C1853124, MONDO:0012546, OMIM 610725.
Polycystic kidney disease. Also called: Kidney, Polycystic; Polycystic kidney dysplasia. Identifiers: MedGen C0022680, MeSH D007690, MONDO:0020642, HP:0000113.

Allele frequency attached by ClinVar (database versions not stated): 1000 Genomes Project 0.00080; 1000 Genomes Project 30x 0.00094; ExAC 0.00165; gnomAD exomes 0.00169 and 0.00288; gnomAD 0.00184 and 0.00188; TOPMed 0.00192; ESP Exome Variant Server 0.00243.
gnomAD v4.1: 4,519 of 1,614,178 alleles (0.28%); highest among the groups gnomAD compares: Non-Finnish European, 0.33%; 8 homozygotes.

Submissions (7):

Labcorp Genetics (formerly Invitae), Labcorp
Classification: Likely benign. Last evaluated: 2025-12-22. Review status: criteria provided, single submitter. Criteria: Invitae Variant Classification Sherloc (09022015). Collection method: clinical testing. Allele origin: germline.

Blueprint Genetics
Classification: Uncertain significance. Last evaluated: 2024-10-30. Review status: criteria provided, single submitter. Criteria: ACMG Guidelines, 2015. Collection method: clinical testing. Allele origin: germline.

CeGaT Center for Human Genetics Tuebingen
Classification: Likely benign. Last evaluated: 2023-12-01. Review status: criteria provided, single submitter. Criteria: CeGaT Center For Human Genetics Tuebingen Variant Classification Criteria Version 2. Collection method: clinical testing. Allele origin: germline. Affected: yes. Observed: 1 variant allele.
Comment: PLCE1: BP4

UNC Molecular Genetics  Laboratory, University of North Carolina at Chapel Hill
Classification: Uncertain significance for Polycystic kidney disease. Last evaluated: 2022-01-20. Review status: criteria provided, single submitter. Criteria: ACMG Guidelines, 2015. Collection method: clinical testing. Allele origin: germline. Affected: yes. Observed: 1 compound heterozygote.

Illumina Laboratory Services, Illumina
Classification: Uncertain significance for Nephrotic syndrome, type 3. Last evaluated: 2018-01-13. Review status: criteria provided, single submitter. Criteria: ICSL Variant Classification Criteria 13 December 2019. Collection method: clinical testing. Allele origin: germline.

PreventionGenetics, part of Exact Sciences
Classification: Likely benign for PLCE1-related condition. Last evaluated: 2019-10-30. Review status: no assertion criteria provided. Collection method: clinical testing. Allele origin: germline. Not counted in ClinVar's aggregate classification.
Comment: This variant is classified as likely benign based on ACMG/AMP sequence variant interpretation guidelines (Richards et al. 2015 PMID: 25741868, with internal and published modifications).

Department of Pathology and Laboratory Medicine, Sinai Health System
Classification: Uncertain significance. Review status: no assertion criteria provided. Collection method: clinical testing. Allele origin: unknown. Affected: yes. Study: The Canadian Open Genetics Repository (COGR). Not counted in ClinVar's aggregate classification.
Comment: The PLCE1 p.Ile523Val variant was not identified in the literature nor was it identified in Cosmic or LOVD 3.0. The variant was identified in dbSNP (ID: rs61751494) and ClinVar (classified as a VUS by Illumina for Nephrotic syndrome). The variant was also identified in control databases in 464 of 280778 chromosomes at a frequency of 0.001653 increasing the likelihood this could be a low frequency benign variant (Genome Aggregation Database Feb 27, 2017). The variant was observed in the following populations: Ashkenazi Jewish in 62 of 10356 chromosomes (freq: 0.005987), Other in 22 of 7140 chromosomes (freq: 0.003081), European (non-Finnish) in 297 of 128564 chromosomes (freq: 0.00231), Latino in 48 of 35368 chromosomes (freq: 0.001357), African in 14 of 24190 chromosomes (freq: 0.000579), South Asian in 17 of 30598 chromosomes (freq: 0.000556) and European (Finnish) in 4 of 25030 chromosomes (freq: 0.00016), but was not observed in the East Asian population. The p.Ile523 residue is conserved in mammals but not in more distantly related organisms however computational analyses (PolyPhen-2, SIFT, AlignGVGD, BLOSUM, MutationTaster) do not suggest a high likelihood of impact to the protein; this information is not predictive enough to rule out pathogenicity. The variant occurs outside of the splicing consensus sequence and in silico or computational prediction software programs (SpliceSiteFinder, MaxEntScan, NNSPLICE, GeneSplicer) do not predict a difference in splicing. In summary, based on the above information the clinical significance of this variant cannot be determined with certainty at this time. This variant is classified as a variant of uncertain significance.

NM_016341.4(PLCE1):c.1567A>G (p.Ile523Val)

Gene: PLCE1 (phospholipase C epsilon 1; plus strand). Cytogenetic location: 10q23.33.
Variant type: single nucleotide variant.
Coding change: c.1567A>G on transcript NM_016341.4 (MANE Select); coding-DNA position 1567, A replaced by G.
Protein change: p.Ile523Val; replaces isoleucine 523 with valine.
Molecular consequence: missense variant.
Genome position (GRCh38, 1-based): chr10:94,171,254, A>G. VCF-style: chr10-94171254-A-G. GRCh37 (hg19) VCF-style: chr10-95931011-A-G.
Other names: c.643A>G, p.Ile215Val (NM_001165979.2); c.1567A>G, p.Ile523Val (NM_001288989.2); short protein forms I523V, I215V.
Identifiers: ClinVar variation 301700 (VCV000301700.40), dbSNP rs61751494, ClinGen allele CA5612418.
Genomic context (GRCh38, chr10:94,171,254, plus strand): 5'-CCCTCTGTGGCCAATTCCAATGCCCTCCCTTCAAGTTCAGCTGGGATCAGCAAGGAGCTG[A>G]TCGATCTGCAGCCTCTCATCCAGTTCCCAGAGGAAGTCGCCAGCATCCTGATGGAGCAAG-3'
Protein context (NP_057425.3, residues 513-533): SSSAGISKEL[Ile523Val]DLQPLIQFPE